The following is an entry in ClinVar:

ClinVar aggregate classification (germline): Uncertain significance. Review status: criteria provided, multiple submitters, no conflicts (2 of 4 stars). 3 submissions from 3 submitters: Uncertain significance (3). Last evaluated 2025-06-03.

Conditions:
Birt-Hogg-Dube syndrome. Also called: Birt Hogg Dubé syndrome. Identifiers: Orphanet 122, MedGen C0346010, MONDO:0800444.
Hereditary cancer-predisposing syndrome. Also called: Hereditary neoplastic syndrome; Tumor predisposition; Neoplastic Syndromes, Hereditary; Hereditary Cancer Syndrome. Identifiers: Orphanet 140162, MedGen C0027672, MeSH D009386, MONDO:0015356.

Allele frequency attached by ClinVar (database versions not stated): TOPMed 0.00001.

Submissions (3):

Labcorp Genetics (formerly Invitae), Labcorp
Classification: Uncertain significance for Birt-Hogg-Dube syndrome. Last evaluated: 2025-06-03. Review status: criteria provided, single submitter. Criteria: Invitae Variant Classification Sherloc (09022015). Collection method: clinical testing. Allele origin: germline.
Comment: This sequence change replaces methionine, which is neutral and non-polar, with valine, which is neutral and non-polar, at codon 54 of the FLCN protein (p.Met54Val). This variant is not present in population databases (gnomAD no frequency). This variant has not been reported in the literature in individuals affected with FLCN-related conditions. ClinVar contains an entry for this variant (Variation ID: 2473749). An algorithm developed to predict the effect of missense changes on protein structure and function (PolyPhen-2) suggests that this variant is likely to be tolerated. In summary, the available evidence is currently insufficient to determine the role of this variant in disease. Therefore, it has been classified as a Variant of Uncertain Significance.

GeneDx
Classification: Uncertain significance. Last evaluated: 2025-04-28. Review status: criteria provided, single submitter. Criteria: GeneDx Variant Classification Process June 2021. Collection method: clinical testing. Allele origin: germline. Affected: yes.
Comment: Not observed at significant frequency in large population cohorts (gnomAD); In silico analysis indicates that this missense variant does not alter protein structure/function; Has not been previously published as pathogenic or benign to our knowledge; In silico analysis suggests this variant may impact gene splicing. In the absence of RNA/functional studies, the actual effect of this sequence change is unknown.

Ambry Genetics
Classification: Uncertain significance for Hereditary cancer-predisposing syndrome. Last evaluated: 2023-03-09. Review status: criteria provided, single submitter. Criteria: Ambry Variant Classification Scheme 2023. Collection method: clinical testing. Allele origin: germline.
Comment: The p.M54V variant (also known as c.160A>G), located in coding exon 1 of the FLCN gene, results from an A to G substitution at nucleotide position 160. The methionine at codon 54 is replaced by valine, an amino acid with highly similar properties. This amino acid position is conserved. In addition, this alteration is predicted to be deleterious by in silico analysis. Since supporting evidence is limited at this time, the clinical significance of this alteration remains unclear.

NM_144997.7(FLCN):c.160A>G (p.Met54Val)

Gene: FLCN (folliculin; minus strand). Cytogenetic location: 17p11.2.
Variant type: single nucleotide variant.
Coding change: c.160A>G on transcript NM_144997.7 (MANE Select); coding-DNA position 160, A replaced by G.
Protein change: p.Met54Val; replaces methionine 54 with valine.
Molecular consequence: missense variant.
Genome position (GRCh38, 1-based): chr17:17,227,978, T>C on the plus strand (A>G on the coding strand, the complement: FLCN is on the minus strand). VCF-style: chr17-17227978-T-C. GRCh37 (hg19) VCF-style: chr17-17131292-T-C.
Other names: c.160A>G, p.Met54Val (NM_001353229.2, NM_001353230.2, NM_001353231.2 and 1 more transcripts); short protein forms M54V.
Identifiers: ClinVar variation 2473749 (VCV002473749.4), dbSNP rs2047307801, ClinGen allele CA398535199.
Genomic context (GRCh38, chr17:17,227,978, plus strand): 5'-GGCTGCTGGACTCGACGCTGGCCCCCTCTGCGGGGCTGTGCGCACGCATCCGACTGTTCA[T>C]CTGAATGCCACCTTCCTCTTCTTCCGCCTGCTCACCCTGGCCAGGACTGTCCTCATTCCC-3'
Protein context (NP_659434.2, residues 44-64): QAEEEEGGIQ[Met54Val]NSRMRAHSPA